The following is an entry in ClinVar:

NM_000535.7(PMS2):c.217T>C (p.Cys73Arg)

Gene: PMS2 (PMS1 homolog 2, mismatch repair system component; minus strand). Cytogenetic location: 7p22.1.
Variant type: single nucleotide variant.
Coding change: c.217T>C on transcript NM_000535.7 (MANE Select); coding-DNA position 217, T replaced by C.
Protein change: p.Cys73Arg; replaces cysteine 73 with arginine.
Molecular consequence: missense variant. On other transcripts: 5 prime UTR variant (9), initiator codon variant (2), non-coding transcript variant (1).
Genome position (GRCh38, 1-based): chr7:6,004,005, A>G on the plus strand (T>C on the coding strand, the complement: PMS2 is on the minus strand). VCF-style: chr7-6004005-A-G. GRCh37 (hg19) VCF-style: chr7-6043636-A-G.
Other names: c.-189T>C (NM_001322003.2, NM_001322004.2, NM_001322005.2 and 3 more transcripts); c.217T>C, p.Cys73Arg (NM_001322006.2, NM_001322014.2); c.2T>C, p.Met1Thr (NM_001322007.2, NM_001322008.2); c.-668T>C (NM_001322011.2, NM_001322012.2); c.-268T>C (NM_001322015.2); short protein forms M1T, C73R.
Identifiers: ClinVar variation 820852 (VCV000820852.5), dbSNP rs1583410505, ClinGen allele CA366744827.

ClinVar aggregate classification (germline): Uncertain significance (1 of 4 stars; one submission).

Conditions:
Hereditary cancer-predisposing syndrome. Also called: Neoplastic Syndromes, Hereditary; Tumor predisposition; Hereditary Cancer Syndrome; Hereditary neoplastic syndrome. Identifiers: Orphanet 140162, MedGen C0027672, MeSH D009386, MONDO:0015356.

Submission:

Ambry Genetics
Classification: Uncertain significance for Hereditary cancer-predisposing syndrome. Last evaluated: 2019-03-13. Review status: criteria provided, single submitter. Criteria: Ambry Variant Classification Scheme 2023. Collection method: clinical testing. Allele origin: germline.
Comment: The p.C73R variant (also known as c.217T>C), located in coding exon 3 of the PMS2 gene, results from a T to C substitution at nucleotide position 217. The cysteine at codon 73 is replaced by arginine, an amino acid with highly dissimilar properties. This amino acid position is not well conserved in available vertebrate species. In addition, the in silico prediction for this alteration is inconclusive. Since supporting evidence is limited at this time, the clinical significance of this alteration remains unclear.